The following is an entry in ClinVar:

ClinVar aggregate classification (germline): Benign/Likely benign. Review status: criteria provided, multiple submitters, no conflicts (2 of 4 stars). 5 submissions from 5 submitters: Benign (3); Likely benign (1). 1 of the submissions does not count toward it. Last evaluated 2026-01-21.

Conditions:
Inborn genetic diseases. Identifiers: MedGen C0950123, MeSH D030342.
NACC1-related disorder. Also called: NACC1-related condition.

Allele frequency attached by ClinVar (database versions not stated): gnomAD exomes 0.00052 and 0.00119; gnomAD 0.00067 and 0.00072; TOPMed 0.00077; ExAC 0.00102; ESP Exome Variant Server 0.00115.
gnomAD v4.1: 922 of 1,613,460 alleles (0.057%); highest among the groups gnomAD compares: Middle Eastern, 0.48%; 10 homozygotes.

Submissions (5):

Labcorp Genetics (formerly Invitae), Labcorp
Classification: Benign. Last evaluated: 2026-01-21. Review status: criteria provided, single submitter. Criteria: Invitae Variant Classification Sherloc (09022015). Collection method: clinical testing. Allele origin: germline.

CeGaT Center for Human Genetics Tuebingen
Classification: Benign. Last evaluated: 2022-03-01. Review status: criteria provided, single submitter. Criteria: CeGaT Center For Human Genetics Tuebingen Variant Classification Criteria Version 2. Collection method: clinical testing. Allele origin: germline. Affected: yes. Observed: 1 variant allele.
Comment: NACC1: BS1, BS2

Ambry Genetics
Classification: Likely benign for Inborn genetic diseases. Last evaluated: 2021-10-21. Review status: criteria provided, single submitter. Criteria: Ambry Variant Classification Scheme 2023. Collection method: clinical testing. Allele origin: germline.

Breakthrough Genomics
Classification: Benign. Review status: criteria provided, single submitter. Criteria: ACMG Guidelines, 2015. Collection method: not provided. Allele origin: germline. Inheritance: Autosomal dominant inheritance. Affected: yes.

PreventionGenetics, part of Exact Sciences
Classification: Likely benign for NACC1-related condition. Last evaluated: 2023-03-28. Review status: no assertion criteria provided. Collection method: clinical testing. Allele origin: germline. Not counted in ClinVar's aggregate classification.
Comment: This variant is classified as likely benign based on ACMG/AMP sequence variant interpretation guidelines (Richards et al. 2015 PMID: 25741868, with internal and published modifications).

NM_052876.4(NACC1):c.1540A>G (p.Ser514Gly)

Gene: NACC1 (nucleus accumbens associated 1; plus strand). Cytogenetic location: 19p13.13.
Variant type: single nucleotide variant.
Coding change: c.1540A>G on transcript NM_052876.4 (MANE Select); coding-DNA position 1540, A replaced by G.
Protein change: p.Ser514Gly; replaces serine 514 with glycine.
Molecular consequence: missense variant.
Genome position (GRCh38, 1-based): chr19:13,138,362, A>G. VCF-style: chr19-13138362-A-G. GRCh37 (hg19) VCF-style: chr19-13249176-A-G.
Other names: c.1540A>G (NM_052876.2); short protein forms S514G.
Identifiers: ClinVar variation 731571 (VCV000731571.36), dbSNP rs140644046, ClinGen allele CA9238551.